The following is an entry in ClinVar:

ClinVar aggregate classification (germline): Likely benign (1 of 4 stars; one submission).

Allele frequency attached by ClinVar (database versions not stated): TOPMed below 0.00001.
gnomAD v4.1: 20 of 1,476,674 alleles (0.0014%); highest among the groups gnomAD compares: Middle Eastern, 0.072%; no homozygotes.

Submission:

CeGaT Center for Human Genetics Tuebingen
Classification: Likely benign. Last evaluated: 2023-01-01. Review status: criteria provided, single submitter. Criteria: CeGaT Center For Human Genetics Tuebingen Variant Classification Criteria Version 2. Collection method: clinical testing. Allele origin: germline. Affected: yes. Observed: 2 variant alleles.
Comment: RAB11FIP5: BP4, BP7

NM_001371272.1(RAB11FIP5):c.306C>T (p.Ser102=)

Gene: RAB11FIP5 (RAB11 family interacting protein 5; minus strand). Cytogenetic location: 2p13.2.
Variant type: single nucleotide variant.
Coding change: c.306C>T on transcript NM_001371272.1 (MANE Select); coding-DNA position 306, C replaced by T.
Protein change: p.Ser102=; no amino-acid change (serine 102 retained).
Molecular consequence: synonymous variant.
Genome position (GRCh38, 1-based): chr2:73,112,472, G>A on the plus strand (C>T on the coding strand, the complement: RAB11FIP5 is on the minus strand). VCF-style: chr2-73112472-G-A. GRCh37 (hg19) VCF-style: chr2-73339600-G-A.
Other names: c.306C>T, p.Ser102= (NM_015470.3).
Identifiers: ClinVar variation 2651026 (VCV002651026.24), dbSNP rs755850240, ClinGen allele CA1710331.